The following is an entry in ClinVar:

NM_005236.3(ERCC4):c.145C>T (p.Leu49Phe)

Genes: ERCC4 (ERCC excision repair 4, endonuclease catalytic subunit; plus strand), LOC130058543 (ATAC-STARR-seq lymphoblastoid active region 10486; plus strand). Cytogenetic location: 16p13.12.
Variant type: single nucleotide variant.
Coding change: c.145C>T on transcript NM_005236.3 (MANE Select); coding-DNA position 145, C replaced by T.
Protein change: p.Leu49Phe; replaces leucine 49 with phenylalanine.
Molecular consequence: missense variant.
Genome position (GRCh38, 1-based): chr16:13,920,310, C>T. VCF-style: chr16-13920310-C-T. GRCh37 (hg19) VCF-style: chr16-14014167-C-T.
Other names: short protein forms L49F.
Identifiers: ClinVar variation 884829 (VCV000884829.15), dbSNP rs552142099, ClinGen allele CA7910099.

ClinVar aggregate classification (germline): Uncertain significance. Review status: criteria provided, multiple submitters, no conflicts (2 of 4 stars). 6 submissions from 6 submitters: Uncertain significance (6). Last evaluated 2024-10-28.

Conditions:
Xeroderma pigmentosum, group F (XPF). Also called: XERODERMA PIGMENTOSUM VI; XP, GROUP F; XERODERMA PIGMENTOSUM, TYPE F; Xeroderma pigmentosum, type 6; XERODERMA PIGMENTOSUM, COMPLEMENTATION GROUP F; ERCC4-Related Xeroderma Pigmentosum. Identifiers: MedGen C0268140, MONDO:0010215, OMIM 278760.
Cockayne syndrome. Identifiers: Orphanet 191, MedGen C0009207, MONDO:0016006.
Fanconi anemia complementation group Q. Identifiers: Orphanet 84, MedGen C3808988, MONDO:0014108, OMIM 615272.
Xeroderma pigmentosum (XP). Identifiers: Orphanet 910, MedGen C0043346, MONDO:0019600.
Inborn genetic diseases. Identifiers: MedGen C0950123, MeSH D030342.

Allele frequency attached by ClinVar (database versions not stated): ExAC 0.00003; gnomAD exomes 0.00003 and 0.00011; gnomAD 0.00006 and 0.00008; TOPMed 0.00007; 1000 Genomes Project 0.00020; 1000 Genomes Project 30x 0.00031.
gnomAD v4.1: 174 of 1,602,644 alleles (0.011%); highest among the groups gnomAD compares: Non-Finnish European, 0.014%; no homozygotes.

Submissions (6):

GeneDx
Classification: Uncertain significance. Last evaluated: 2024-10-28. Review status: criteria provided, single submitter. Criteria: GeneDx Variant Classification Process June 2021. Collection method: clinical testing. Allele origin: germline. Affected: yes.
Comment: In silico analysis supports that this missense variant has a deleterious effect on protein structure/function; Observed in individuals with sarcoma (PMID: 27498913); This variant is associated with the following publications: (PMID: 27498913)

Blueprint Genetics
Classification: Uncertain significance. Last evaluated: 2024-08-08. Review status: criteria provided, single submitter. Criteria: ACMG Guidelines, 2015. Collection method: clinical testing. Allele origin: germline.

Ambry Genetics
Classification: Uncertain significance for Inborn genetic diseases. Last evaluated: 2024-06-16. Review status: criteria provided, single submitter. Criteria: Ambry Variant Classification Scheme 2023. Collection method: clinical testing. Allele origin: germline.

Labcorp Genetics (formerly Invitae), Labcorp
Classification: Uncertain significance for Fanconi anemia complementation group Q; Xeroderma pigmentosum, group F; Cockayne syndrome. Last evaluated: 2024-01-08. Review status: criteria provided, single submitter. Criteria: Invitae Variant Classification Sherloc (09022015). Collection method: clinical testing. Allele origin: germline.
Comment: This sequence change replaces leucine, which is neutral and non-polar, with phenylalanine, which is neutral and non-polar, at codon 49 of the ERCC4 protein (p.Leu49Phe). This variant is present in population databases (rs552142099, gnomAD 0.007%). This variant has not been reported in the literature in individuals affected with ERCC4-related conditions. ClinVar contains an entry for this variant (Variation ID: 884829). Advanced modeling of protein sequence and biophysical properties (such as structural, functional, and spatial information, amino acid conservation, physicochemical variation, residue mobility, and thermodynamic stability) performed at Invitae indicates that this missense variant is expected to disrupt ERCC4 protein function with a positive predictive value of 80%. In summary, the available evidence is currently insufficient to determine the role of this variant in disease. Therefore, it has been classified as a Variant of Uncertain Significance.

Sema4
Classification: Uncertain significance for Xeroderma pigmentosum. Last evaluated: 2022-03-09. Review status: criteria provided, single submitter. Criteria: Sema4 Curation Guidelines. Collection method: curation. Allele origin: germline.
Comment: The ERCC4 c.145C>T (p.L49F) variant has not been reported in the literature to our knowledge. This variant was observed in 8/124696 chromosomes in the Non-Finnish European population according to the Genome Aggregation Database (PMID: 32461654). The variant has been reported in ClinVar (Variation ID: 884829). Functional studies have not been performed, and in silico predictions of the variant's effect on protein function are inconclusive. The evidence is insufficient to meet ACMG/AMP criteria for classifying the variant as benign or pathogenic. Thus, the clinical significance of this variant is currently uncertain.

Illumina Laboratory Services, Illumina
Classification: Uncertain significance for Xeroderma pigmentosum, group F. Last evaluated: 2018-01-12. Review status: criteria provided, single submitter. Criteria: ICSL Variant Classification Criteria 13 December 2019. Collection method: clinical testing. Allele origin: germline.